The following is an entry in ClinVar:

NM_000059.4(BRCA2):c.7436-12A>G

Gene: BRCA2 (BRCA2 DNA repair associated; plus strand). Cytogenetic location: 13q13.1.
Variant type: single nucleotide variant.
Coding change: c.7436-12A>G on transcript NM_000059.4 (MANE Select); 12 bases into the intron before coding-DNA position 7436, A replaced by G.
Molecular consequence: intron variant.
Genome position (GRCh38, 1-based): chr13:32,356,416, A>G. VCF-style: chr13-32356416-A-G. GRCh37 (hg19) VCF-style: chr13-32930553-A-G.
Identifiers: ClinVar variation 1119279 (VCV001119279.11), dbSNP rs2137561595, ClinGen allele CA2499222285.

ClinVar aggregate classification (germline): Conflicting classifications of pathogenicity. Review status: criteria provided, conflicting classifications (1 of 4 stars). 2 submissions from 2 submitters: Uncertain significance (1); Likely benign (1). Last evaluated 2020-09-15.

Conditions:
Hereditary cancer-predisposing syndrome. Also called: Neoplastic Syndromes, Hereditary; Hereditary Cancer Syndrome; Hereditary neoplastic syndrome; Tumor predisposition. Identifiers: Orphanet 140162, MedGen C0027672, MeSH D009386, MONDO:0015356.
Hereditary breast ovarian cancer syndrome. Also called: Hereditary breast and ovarian cancer syndrome; Breast and ovarian cancer; Hereditary breast and/or ovarian cancer syndrome; BRCA1- and BRCA2-Associated Hereditary Breast and Ovarian Cancer; Hereditary breast and ovarian cancer; Hereditary breast and ovarian cancer syndrome (HBOC). Identifiers: Orphanet 145, MedGen C0677776, MeSH D061325, MONDO:0003582. Disease mechanism: loss of function.

gnomAD v4.1: 1 of 1,610,150 alleles (0.000062%); highest among the groups gnomAD compares: Non-Finnish European, 0.000085%; no homozygotes.

Submissions (2):

Color Diagnostics, LLC DBA Color Health
Classification: Uncertain significance for Hereditary cancer-predisposing syndrome. Last evaluated: 2020-09-15. Review status: criteria provided, single submitter. Criteria: ACMG Guidelines, 2015. Collection method: clinical testing. Allele origin: germline.
Comment: This variant causes an A to G nucleotide substitution at the -12 position of intron 14 of the BRCA2 gene. To our knowledge, functional studies have not been reported for this variant. This variant has not been reported in individuals affected with hereditary cancer in the literature. This variant has not been identified in the general population by the Genome Aggregation Database (gnomAD). The available evidence is insufficient to determine the role of this variant in disease conclusively. Therefore, this variant is classified as a Variant of Uncertain Significance.

Labcorp Genetics (formerly Invitae), Labcorp
Classification: Likely benign for Hereditary breast ovarian cancer syndrome. Last evaluated: 2020-09-01. Review status: criteria provided, single submitter. Criteria: Invitae Variant Classification Sherloc (09022015). Collection method: clinical testing. Allele origin: germline.